The following is an entry in ClinVar:

ClinVar aggregate classification (germline): Uncertain significance (1 of 4 stars; one submission).

Conditions:
Hereditary cancer-predisposing syndrome. Also called: Neoplastic Syndromes, Hereditary; Tumor predisposition; Hereditary Cancer Syndrome; Hereditary neoplastic syndrome. Identifiers: Orphanet 140162, MedGen C0027672, MeSH D009386, MONDO:0015356.

gnomAD v4.1: 1 of 1,584,668 alleles (0.000063%); highest among the groups gnomAD compares: Non-Finnish European, 0.000085%; no homozygotes.

Submission:

Ambry Genetics
Classification: Uncertain significance for Hereditary cancer-predisposing syndrome. Last evaluated: 2025-09-19. Review status: criteria provided, single submitter. Criteria: Ambry Variant Classification Scheme 2023. Collection method: clinical testing. Allele origin: germline.
Comment: The p.L13I variant (also known as c.37C>A), located in coding exon 1 of the EPCAM gene, results from a C to A substitution at nucleotide position 37. The leucine at codon 13 is replaced by isoleucine, an amino acid with highly similar properties. This amino acid position is conserved. In addition, this alteration is predicted to be tolerated by in silico analysis. Based on the available evidence, the clinical significance of this variant remains unclear.

NM_002354.3(EPCAM):c.37C>A (p.Leu13Ile)

Gene: EPCAM (epithelial cell adhesion molecule; plus strand). Cytogenetic location: 2p21.
Variant type: single nucleotide variant.
Coding change: c.37C>A on transcript NM_002354.3 (MANE Select); coding-DNA position 37, C replaced by A.
Protein change: p.Leu13Ile; replaces leucine 13 with isoleucine.
Molecular consequence: missense variant.
Genome position (GRCh38, 1-based): chr2:47,369,542, C>A. VCF-style: chr2-47369542-C-A. GRCh37 (hg19) VCF-style: chr2-47596681-C-A.
Other names: short protein forms L13I.
Identifiers: ClinVar variation 4640349 (VCV004640349.1).